The following is an entry in ClinVar:

ClinVar aggregate classification (germline): Uncertain significance (1 of 4 stars; one submission).

Conditions:
Lethal multiple pterygium syndrome (LMPS). Identifiers: Orphanet 33108, MedGen C1854678, MONDO:0009668, OMIM 253290.

Allele frequency attached by ClinVar (database versions not stated): gnomAD 0.00001; gnomAD exomes 0.00001; TOPMed 0.00001.
gnomAD v4.1: 18 of 1,613,726 alleles (0.0011%); highest among the groups gnomAD compares: Non-Finnish European, 0.0014%; no homozygotes.

Submission:

Labcorp Genetics (formerly Invitae), Labcorp
Classification: Uncertain significance for Lethal multiple pterygium syndrome. Last evaluated: 2022-06-27. Review status: criteria provided, single submitter. Criteria: Invitae Variant Classification Sherloc (09022015). Collection method: clinical testing. Allele origin: germline.
Comment: In summary, the available evidence is currently insufficient to determine the role of this variant in disease. Therefore, it has been classified as a Variant of Uncertain Significance. Advanced modeling of protein sequence and biophysical properties (such as structural, functional, and spatial information, amino acid conservation, physicochemical variation, residue mobility, and thermodynamic stability) performed at Invitae indicates that this missense variant is not expected to disrupt CHRNA1 protein function. This variant has not been reported in the literature in individuals affected with CHRNA1-related conditions. This variant is present in population databases (no rsID available, gnomAD 0.01%). This sequence change replaces aspartic acid, which is acidic and polar, with asparagine, which is neutral and polar, at codon 172 of the CHRNA1 protein (p.Asp172Asn).

NM_000079.4(CHRNA1):c.514G>A (p.Asp172Asn)

Gene: CHRNA1 (cholinergic receptor nicotinic alpha 1 subunit; minus strand). Cytogenetic location: 2q31.1.
Variant type: single nucleotide variant.
Coding change: c.514G>A on transcript NM_000079.4 (MANE Select); coding-DNA position 514, G replaced by A.
Protein change: p.Asp172Asn; replaces aspartic acid 172 with asparagine.
Molecular consequence: missense variant.
Genome position (GRCh38, 1-based): chr2:174,754,245, C>T on the plus strand (G>A on the coding strand, the complement: CHRNA1 is on the minus strand). VCF-style: chr2-174754245-C-T. GRCh37 (hg19) VCF-style: chr2-175618973-C-T.
Other names: c.589G>A, p.Asp197Asn (NM_001039523.3); short protein forms D197N, D172N.
Identifiers: ClinVar variation 1418030 (VCV001418030.8), dbSNP rs1232135247, ClinGen allele CA349340916.
Genomic context (GRCh38, chr2:174,754,245, plus strand): 5'-GAAACCACCCTTATCATATGTGGCCACCACCTACCGGGTTGATGGCCACGACAGAGCCGT[C>T]GTAGGTCCAGGTGCCCAGCTTCATGCTGCAGTTCTGTTCATCAAAGGGAAAGTGGGTGAC-3'
Protein context (NP_000070.1, residues 162-182): CSMKLGTWTY[Asp172Asn]GSVVAINPES